The following is an entry in ClinVar:

NM_000393.5(COL5A2):c.4069A>G (p.Asn1357Asp)

Gene: COL5A2 (collagen type V alpha 2 chain; minus strand). Cytogenetic location: 2q32.2.
Variant type: single nucleotide variant.
Coding change: c.4069A>G on transcript NM_000393.5 (MANE Select); coding-DNA position 4069, A replaced by G.
Protein change: p.Asn1357Asp; replaces asparagine 1357 with aspartic acid.
Molecular consequence: missense variant.
Genome position (GRCh38, 1-based): chr2:189,036,660, T>C on the plus strand (A>G on the coding strand, the complement: COL5A2 is on the minus strand). VCF-style: chr2-189036660-T-C. GRCh37 (hg19) VCF-style: chr2-189901386-T-C.
Other names: short protein forms N1357D.
Identifiers: ClinVar variation 4869271 (VCV004869271.1).

ClinVar aggregate classification (germline): Uncertain significance (1 of 4 stars; one submission).

Conditions:
Familial thoracic aortic aneurysm and aortic dissection (TAAD). Also called: Thoracic aortic aneurysms and dissections. Identifiers: Orphanet 91387, MedGen C4707243, MONDO:0019625.

Submission:

Ambry Genetics
Classification: Uncertain significance for Familial thoracic aortic aneurysm and aortic dissection. Last evaluated: 2026-04-30. Review status: criteria provided, single submitter. Criteria: Ambry Variant Classification Scheme 2023. Collection method: clinical testing. Allele origin: germline.
Comment: The p.N1357D variant (also known as c.4069A>G), located in coding exon 52 of the COL5A2 gene, results from an A to G substitution at nucleotide position 4069. The asparagine at codon 1357 is replaced by aspartic acid, an amino acid with highly similar properties. This amino acid position is conserved. In addition, this alteration is predicted to be tolerated by in silico analysis. Based on the available evidence, the clinical significance of this variant remains unclear.